The following is an entry in ClinVar:

NM_004360.5(CDH1):c.2008A>G (p.Met670Val)

Gene: CDH1 (cadherin 1; plus strand). Cytogenetic location: 16q22.1.
Variant type: single nucleotide variant.
Coding change: c.2008A>G on transcript NM_004360.5 (MANE Select); coding-DNA position 2008, A replaced by G.
Protein change: p.Met670Val; replaces methionine 670 with valine.
Molecular consequence: missense variant.
Genome position (GRCh38, 1-based): chr16:68,823,470, A>G. VCF-style: chr16-68823470-A-G. GRCh37 (hg19) VCF-style: chr16-68857373-A-G.
Other names: c.2008A>G (LRG_301t1); c.1825A>G, p.Met609Val (NM_001317184.2); c.460A>G, p.Met154Val (NM_001317185.2); c.43A>G, p.Met15Val (NM_001317186.2); short protein forms M670V, M154V, M15V, M609V.
Identifiers: ClinVar variation 232973 (VCV000232973.16), dbSNP rs876660107, ClinGen allele CA10580143.

ClinVar aggregate classification (germline): Conflicting classifications of pathogenicity. Review status: criteria provided, conflicting classifications (1 of 4 stars). 4 submissions from 4 submitters: Uncertain significance (3); Likely benign (1). Last evaluated 2025-04-10.

Conditions:
CDH1-related diffuse gastric and lobular breast cancer syndrome. Also called: CDH1-related diffuse gastric and lobular breast cancer. Identifiers: MedGen CN311521, MONDO:0100488.
Hereditary cancer-predisposing syndrome. Also called: Hereditary Cancer Syndrome; Neoplastic Syndromes, Hereditary; Tumor predisposition; Hereditary neoplastic syndrome. Identifiers: Orphanet 140162, MedGen C0027672, MeSH D009386, MONDO:0015356.
Hereditary diffuse gastric adenocarcinoma (HDGC). Also called: DIFFUSE GASTRIC AND LOBULAR BREAST CANCER SYNDROME. Identifiers: Orphanet 26106, MedGen C1708349, MONDO:0007648, OMIM 137215.

Allele frequency attached by ClinVar (database versions not stated): gnomAD exomes below 0.00001.
gnomAD v4.1: 7 of 1,614,056 alleles (0.00043%); highest among the groups gnomAD compares: Non-Finnish European, 0.00059%; no homozygotes.

Submissions (4):

Labcorp Genetics (formerly Invitae), Labcorp
Classification: Uncertain significance for Hereditary diffuse gastric adenocarcinoma. Last evaluated: 2025-04-10. Review status: criteria provided, single submitter. Criteria: Invitae Variant Classification Sherloc (09022015). Collection method: clinical testing. Allele origin: germline.
Comment: This sequence change replaces methionine, which is neutral and non-polar, with valine, which is neutral and non-polar, at codon 670 of the CDH1 protein (p.Met670Val). This variant is present in population databases (no rsID available, gnomAD 0.0009%). This variant has not been reported in the literature in individuals affected with CDH1-related conditions. ClinVar contains an entry for this variant (Variation ID: 232973). An algorithm developed to predict the effect of missense changes on protein structure and function outputs the following: PolyPhen-2: "Benign". The valine amino acid residue is found in multiple mammalian species, which suggests that this missense change does not adversely affect protein function. In summary, the available evidence is currently insufficient to determine the role of this variant in disease. Therefore, it has been classified as a Variant of Uncertain Significance.

Ambry Genetics
Classification: Likely benign for Hereditary cancer-predisposing syndrome. Last evaluated: 2025-04-04. Review status: criteria provided, single submitter. Criteria: Ambry Variant Classification Scheme 2023. Collection method: clinical testing. Allele origin: germline.

Department of Pathology and Laboratory Medicine, Sinai Health System
Classification: Uncertain significance for CDH1-related diffuse gastric and lobular breast cancer syndrome. Last evaluated: 2024-10-25. Review status: criteria provided, single submitter. Criteria: ACMG Guidelines, 2015. Collection method: clinical testing. Allele origin: germline.

GeneDx
Classification: Uncertain significance. Last evaluated: 2018-02-28. Review status: criteria provided, single submitter. Criteria: GeneDx Variant Classification (06012015). Collection method: clinical testing. Allele origin: germline. Affected: yes.
Comment: This variant is denoted CDH1 c.2008A>G at the cDNA level, p.Met670Val (M670V) at the protein level, and results in the change of a Methionine to a Valine (ATG>GTG). This variant has not, to our knowledge, been published in the literature as pathogenic or benign. CDH1 Met670Val was not observed at a significant allele frequency in large population cohorts (Lek 2016). CDH1 Met670Val is located in Cadherin 5 of the extracellular domain (Brooks-Wilson 2004, Figueiredo 2013, UniProt). In silico analysis, which includes protein predictors and evolutionary conservation, supports that this variant does not alter protein structure/function. Based on currently available evidence, it is unclear whether CDH1 Met670Val is a pathogenic or benign variant. We consider it to be a variant of uncertain significance.